The following is an entry in ClinVar:

ClinVar aggregate classification (germline): Pathogenic/Likely pathogenic. Review status: criteria provided, multiple submitters, no conflicts (2 of 4 stars). 6 submissions from 6 submitters: Pathogenic (3); Likely pathogenic (2). 1 of the submissions does not count toward it. Last evaluated 2025-05-19.

Conditions:
ALDOB-related disorder. Also called: ALDOB-related condition.
Hereditary fructosuria. Also called: ALDOB DEFICIENCY; ALDOLASE B DEFICIENCY; FRUCTOSE-1,6-BISPHOSPHATE ALDOLASE B DEFICIENCY; FRUCTOSE-1-PHOSPHATE ALDOLASE DEFICIENCY; FRUCTOSEMIA; Hereditary fructose intolerance. Identifiers: Orphanet 469, MedGen C0016751, MONDO:0009249, OMIM 229600, HP:0005973. Disease mechanism: loss of function.

gnomAD v4.1: 15 of 1,613,742 alleles (0.00093%); highest among the groups gnomAD compares: Non-Finnish European, 0.00093%; no homozygotes.

Submissions (6):

Women's Health and Genetics/Laboratory Corporation of America, LabCorp
Classification: Pathogenic for Hereditary fructosuria. Last evaluated: 2025-05-19. Review status: criteria provided, single submitter. Criteria: LabCorp Variant Classification Summary - May 2015. Collection method: clinical testing. Allele origin: germline.
Comment: Variant summary: ALDOB c.964G>T (p.Glu322X) results in a premature termination codon, predicted to cause a truncation of the encoded protein or absence of the protein due to nonsense mediated decay, which are commonly known mechanisms for disease. This variant is expected to escape nonsense mediated decay. The variant allele was found at a frequency of 4e-06 in 251312 control chromosomes. To our knowledge, no occurrence of c.964G>T in individuals affected with Hereditary Fructose Intolerance and no experimental evidence demonstrating its impact on protein function have been reported. A downstream variant c.1013C>T (p.Ala338Val) has been classified as Pathogenic at Labcorp, suggesting loss of this region is deleterious to protein function. ClinVar contains an entry for this variant (Variation ID: 552618). Based on the evidence outlined above, the variant was classified as pathogenic.

North West Genomic Laboratory Hub, Manchester University NHS Foundation Trust
Classification: Likely pathogenic for Hereditary fructosuria. Last evaluated: 2024-12-05. Review status: criteria provided, single submitter. Criteria: ACGS Best Practice Guidelines for Variant Classification in Rare Disease 2024. Collection method: clinical testing. Allele origin: germline. Affected: yes.
Comment: PM3_Mod PM2_Mod PVS1_Str

3billion
Classification: Pathogenic for Hereditary fructosuria. Last evaluated: 2024-11-19. Review status: criteria provided, single submitter. Criteria: ACMG Guidelines, 2015. Collection method: clinical testing. Allele origin: germline. Affected: yes.
Comment: The variant is observed at an extremely low frequency in the gnomAD v4.1.0 dataset (total allele frequency: 0.001%). Predicted Consequence/Location: Stop-gained (nonsense): predicted to result in a loss or disruption of normal protein function through protein truncation. The predicted truncated protein may be shortened by more than 10%. The variant has been reported at least twice as pathogenic with clinical assertions and evidence for the classification (ClinVar ID: VCV000552618). Therefore, this variant is classified as Pathogenic according to the recommendation of ACMG/AMP guideline.

Labcorp Genetics (formerly Invitae), Labcorp
Classification: Pathogenic for Hereditary fructosuria. Last evaluated: 2024-01-29. Review status: criteria provided, single submitter. Criteria: Invitae Variant Classification Sherloc (09022015). Collection method: clinical testing. Allele origin: germline.
Comment: This sequence change creates a premature translational stop signal (p.Glu322*) in the ALDOB gene. While this is not anticipated to result in nonsense mediated decay, it is expected to disrupt the last 43 amino acid(s) of the ALDOB protein. This variant is present in population databases (no rsID available, gnomAD 0.004%). This variant has not been reported in the literature in individuals affected with ALDOB-related conditions. ClinVar contains an entry for this variant (Variation ID: 552618). Algorithms developed to predict the effect of sequence changes on RNA splicing suggest that this variant may disrupt the consensus splice site. This variant disrupts a region of the ALDOB protein in which other variant(s) (p.Asn335Lys) have been determined to be pathogenic (PMID: 1856829, 2336380, 12205126, 15880727, 18541450, 19768653, 23430936). This suggests that this is a clinically significant region of the protein, and that variants that disrupt it are likely to be disease-causing. For these reasons, this variant has been classified as Pathogenic.

Blueprint Genetics
Classification: Likely pathogenic for ALDOB-related disorders. Last evaluated: 2021-04-20. Review status: criteria provided, single submitter. Criteria: ACMG Guidelines, 2015. Collection method: clinical testing. Allele origin: germline. Affected: yes. Observed: 1 variant allele.

Counsyl
Classification: Likely pathogenic for Hereditary fructosuria. Last evaluated: 2017-06-23. Review status: no assertion criteria provided. Collection method: clinical testing. Allele origin: unknown. Not counted in ClinVar's aggregate classification.

Literature cited by the submitters: PubMed 1856829 (cited by Labcorp Genetics (formerly Invitae), Labcorp); PubMed 2336380 (cited by Labcorp Genetics (formerly Invitae), Labcorp); PubMed 12205126 (cited by Labcorp Genetics (formerly Invitae), Labcorp); PubMed 15880727 (cited by Labcorp Genetics (formerly Invitae), Labcorp); PubMed 18541450 (cited by Labcorp Genetics (formerly Invitae), Labcorp); PubMed 19768653 (cited by Labcorp Genetics (formerly Invitae), Labcorp); PubMed 23430936 (cited by Labcorp Genetics (formerly Invitae), Labcorp).

NM_000035.4(ALDOB):c.964G>T (p.Glu322Ter)

Gene: ALDOB (aldolase, fructose-bisphosphate B; minus strand). Cytogenetic location: 9q31.1.
Variant type: single nucleotide variant.
Coding change: c.964G>T on transcript NM_000035.4 (MANE Select); coding-DNA position 964, G replaced by T.
Protein change: p.Glu322Ter; replaces glutamic acid 322 with a stop codon.
Molecular consequence: nonsense.
Genome position (GRCh38, 1-based): chr9:101,424,878, C>A on the plus strand (G>T on the coding strand, the complement: ALDOB is on the minus strand). VCF-style: chr9-101424878-C-A. GRCh37 (hg19) VCF-style: chr9-104187160-C-A.
Other names: c.964G>T, p.Glu322Ter (LRG_1244t1); short protein forms E322*.
Identifiers: ClinVar variation 552618 (VCV000552618.9), dbSNP rs1172384674, ClinGen allele CA374264241.